The following is an entry in ClinVar:

ClinVar aggregate classification (germline): Uncertain significance (1 of 4 stars; one submission).

Conditions:
Cardiovascular phenotype. Identifiers: MedGen CN230736.

Submission:

Ambry Genetics
Classification: Uncertain significance for Cardiovascular phenotype. Last evaluated: 2025-03-28. Review status: criteria provided, single submitter. Criteria: Ambry Variant Classification Scheme 2023. Collection method: clinical testing. Allele origin: germline.
Comment: The p.P340H variant (also known as c.1019C>A), located in coding exon 7 of the CBL gene, results from a C to A substitution at nucleotide position 1019. The proline at codon 340 is replaced by histidine, an amino acid with similar properties. This amino acid position is conserved. In addition, this alteration is predicted to be deleterious by in silico analysis. Based on the available evidence, the clinical significance of this variant remains unclear.

NM_005188.4(CBL):c.1019C>A (p.Pro340His)

Gene: CBL (Cbl proto-oncogene; plus strand). Cytogenetic location: 11q23.3.
Variant type: single nucleotide variant.
Coding change: c.1019C>A on transcript NM_005188.4 (MANE Select); coding-DNA position 1019, C replaced by A.
Protein change: p.Pro340His; replaces proline 340 with histidine.
Molecular consequence: missense variant.
Genome position (GRCh38, 1-based): chr11:119,277,768, C>A. VCF-style: chr11-119277768-C-A. GRCh37 (hg19) VCF-style: chr11-119148478-C-A.
Other names: short protein forms P340H.
Identifiers: ClinVar variation 3995986 (VCV003995986.1).